The following is an entry in ClinVar:

NM_005188.4(CBL):c.326T>C (p.Leu109Pro)

Gene: CBL (Cbl proto-oncogene; plus strand). Cytogenetic location: 11q23.3.
Variant type: single nucleotide variant.
Coding change: c.326T>C on transcript NM_005188.4 (MANE Select); coding-DNA position 326, T replaced by C.
Protein change: p.Leu109Pro; replaces leucine 109 with proline.
Molecular consequence: missense variant.
Genome position (GRCh38, 1-based): chr11:119,232,578, T>C. VCF-style: chr11-119232578-T-C. GRCh37 (hg19) VCF-style: chr11-119103288-T-C.
Other names: c.326T>C (NM_005188.2); short protein forms L109P.
Identifiers: ClinVar variation 1717147 (VCV001717147.6), dbSNP rs2496866032, ClinGen allele CA382894964.

ClinVar aggregate classification (germline): Uncertain significance. Review status: criteria provided, multiple submitters, no conflicts (2 of 4 stars). 2 submissions from 2 submitters: Uncertain significance (2). Last evaluated 2026-03-02.

Conditions:
Cardiovascular phenotype. Identifiers: MedGen CN230736.
RASopathy. Also called: Noonan spectrum disorder; rasopathies. Identifiers: Orphanet 536391, MedGen C5555857, MONDO:0021060.

Submissions (2):

Ambry Genetics
Classification: Uncertain significance for Cardiovascular phenotype. Last evaluated: 2026-03-02. Review status: criteria provided, single submitter. Criteria: Ambry Variant Classification Scheme 2023. Collection method: clinical testing. Allele origin: germline.
Comment: The p.L109P variant (also known as c.326T>C), located in coding exon 2 of the CBL gene, results from a T to C substitution at nucleotide position 326. The leucine at codon 109 is replaced by proline, an amino acid with similar properties. This amino acid position is conserved. In addition, this alteration is predicted to be deleterious by in silico analysis. Based on the available evidence, the clinical significance of this variant remains unclear.

Labcorp Genetics (formerly Invitae), Labcorp
Classification: Uncertain significance for RASopathy. Last evaluated: 2022-08-20. Review status: criteria provided, single submitter. Criteria: Invitae Variant Classification Sherloc (09022015). Collection method: clinical testing. Allele origin: germline.
Comment: In summary, the available evidence is currently insufficient to determine the role of this variant in disease. Therefore, it has been classified as a Variant of Uncertain Significance. Advanced modeling of protein sequence and biophysical properties (such as structural, functional, and spatial information, amino acid conservation, physicochemical variation, residue mobility, and thermodynamic stability) performed at Invitae indicates that this missense variant is expected to disrupt CBL protein function. This variant has not been reported in the literature in individuals affected with CBL-related conditions. This variant is not present in population databases (gnomAD no frequency). This sequence change replaces leucine, which is neutral and non-polar, with proline, which is neutral and non-polar, at codon 109 of the CBL protein (p.Leu109Pro).